The following is an entry in ClinVar:

ClinVar aggregate classification (germline): Uncertain significance (1 of 4 stars; one submission).

Conditions:
Cognitive impairment - coarse facies - heart defects - obesity - pulmonary involvement - short stature - skeletal dysplasia syndrome. Also called: COGNITIVE IMPAIRMENT, COARSE FACIES, HEART DEFECTS, OBESITY, PULMONARY INVOLVEMENT, SHORT STATURE, AND SKELETAL DYSPLASIA; Chops syndrome; AFF4-Related CHOPS Syndrome. Identifiers: Orphanet 444077, MedGen C4085597, MONDO:0014609, OMIM 616368.

gnomAD v4.1: 18 of 1,610,132 alleles (0.0011%); highest among the groups gnomAD compares: Non-Finnish European, 0.0012%; no homozygotes.

Submission:

Labcorp Genetics (formerly Invitae), Labcorp
Classification: Uncertain significance for Cognitive impairment - coarse facies - heart defects - obesity - pulmonary involvement - short stature - skeletal dysplasia syndrome. Last evaluated: 2025-04-01. Review status: criteria provided, single submitter. Criteria: Invitae Variant Classification Sherloc (09022015). Collection method: clinical testing. Allele origin: germline.
Comment: This sequence change replaces glutamine, which is neutral and polar, with proline, which is neutral and non-polar, at codon 803 of the AFF4 protein (p.Gln803Pro). This variant is present in population databases (no rsID available, gnomAD 0.007%). This variant has not been reported in the literature in individuals affected with AFF4-related conditions. Invitae Evidence Modeling of protein sequence and biophysical properties (such as structural, functional, and spatial information, amino acid conservation, physicochemical variation, residue mobility, and thermodynamic stability) indicates that this missense variant is not expected to disrupt AFF4 protein function with a negative predictive value of 80%. In summary, the available evidence is currently insufficient to determine the role of this variant in disease. Therefore, it has been classified as a Variant of Uncertain Significance.

NM_014423.4(AFF4):c.2408A>C (p.Gln803Pro)

Gene: AFF4 (ALF transcription elongation factor 4; minus strand). Cytogenetic location: 5q31.1.
Variant type: single nucleotide variant.
Coding change: c.2408A>C on transcript NM_014423.4 (MANE Select); coding-DNA position 2408, A replaced by C.
Protein change: p.Gln803Pro; replaces glutamine 803 with proline.
Molecular consequence: missense variant.
Genome position (GRCh38, 1-based): chr5:132,892,393, T>G on the plus strand (A>C on the coding strand, the complement: AFF4 is on the minus strand). VCF-style: chr5-132892393-T-G. GRCh37 (hg19) VCF-style: chr5-132228085-T-G.
Other names: short protein forms Q803P.
Identifiers: ClinVar variation 4740179 (VCV004740179.1).
Genomic context (GRCh38, chr5:132,892,393, plus strand): 5'-TCTTTTGAAGGAACAGGCCCAGCGGGAGAAGGCAACAAATCCTTTTCTTTTGCAGCACTC[T>G]GCTTAGATGACCTGCCAAACCAAACGAATGCCTTCATTTCTCCACACAGTAATACAGGGG-3'
Protein context (NP_055238.1, residues 793-813): KPSSNRESSK[Gln803Pro]SAAKEKDLLP